The following is an entry in ClinVar:

NM_015331.3(NCSTN):c.222C>A (p.His74Gln)

Gene: NCSTN (nicastrin; plus strand). Cytogenetic location: 1q23.2.
Variant type: single nucleotide variant.
Coding change: c.222C>A on transcript NM_015331.3 (MANE Select); coding-DNA position 222, C replaced by A.
Protein change: p.His74Gln; replaces histidine 74 with glutamine.
Molecular consequence: missense variant.
Genome position (GRCh38, 1-based): chr1:160,349,030, C>A. VCF-style: chr1-160349030-C-A. GRCh37 (hg19) VCF-style: chr1-160318820-C-A.
Other names: c.162C>A, p.His54Gln (NM_001290184.2); c.222C>A, p.His74Gln (NM_001290186.2, NM_001349729.2); short protein forms H74Q, H54Q.
Identifiers: ClinVar variation 3668458 (VCV003668458.2).

ClinVar aggregate classification (germline): Uncertain significance (1 of 4 stars; one submission).

Submission:

Labcorp Genetics (formerly Invitae), Labcorp
Classification: Uncertain significance. Last evaluated: 2025-01-15. Review status: criteria provided, single submitter. Criteria: Invitae Variant Classification Sherloc (09022015). Collection method: clinical testing. Allele origin: germline.
Comment: This sequence change replaces histidine, which is basic and polar, with glutamine, which is neutral and polar, at codon 74 of the NCSTN protein (p.His74Gln). This variant is not present in population databases (gnomAD no frequency). This variant has not been reported in the literature in individuals affected with NCSTN-related conditions. Invitae Evidence Modeling of protein sequence and biophysical properties (such as structural, functional, and spatial information, amino acid conservation, physicochemical variation, residue mobility, and thermodynamic stability) indicates that this missense variant is not expected to disrupt NCSTN protein function with a negative predictive value of 80%. In summary, the available evidence is currently insufficient to determine the role of this variant in disease. Therefore, it has been classified as a Variant of Uncertain Significance.